The following is an entry in ClinVar:

ClinVar aggregate classification (germline): Uncertain significance (1 of 4 stars; one submission).

gnomAD v4.1: 4 of 1,158,160 alleles (0.00035%); highest among the groups gnomAD compares: Non-Finnish European, 0.00042%; no homozygotes.

Submission:

Labcorp Genetics (formerly Invitae), Labcorp
Classification: Uncertain significance. Last evaluated: 2023-08-27. Review status: criteria provided, single submitter. Criteria: Invitae Variant Classification Sherloc (09022015). Collection method: clinical testing. Allele origin: germline.
Comment: Advanced modeling of protein sequence and biophysical properties (such as structural, functional, and spatial information, amino acid conservation, physicochemical variation, residue mobility, and thermodynamic stability) performed at Invitae indicates that this missense variant is not expected to disrupt APC2 protein function. In summary, the available evidence is currently insufficient to determine the role of this variant in disease. Therefore, it has been classified as a Variant of Uncertain Significance. This variant has not been reported in the literature in individuals affected with APC2-related conditions. This variant is present in population databases (no rsID available, gnomAD 0.007%). This sequence change replaces alanine, which is neutral and non-polar, with glutamic acid, which is acidic and polar, at codon 2048 of the APC2 protein (p.Ala2048Glu).

NM_005883.3(APC2):c.6143C>A (p.Ala2048Glu)

Gene: APC2 (APC regulator of Wnt signaling pathway 2; plus strand). Cytogenetic location: 19p13.3.
Variant type: single nucleotide variant.
Coding change: c.6143C>A on transcript NM_005883.3 (MANE Select); coding-DNA position 6143, C replaced by A.
Protein change: p.Ala2048Glu; replaces alanine 2048 with glutamic acid.
Molecular consequence: missense variant.
Genome position (GRCh38, 1-based): chr19:1,469,444, C>A. VCF-style: chr19-1469444-C-A. GRCh37 (hg19) VCF-style: chr19-1469443-C-A.
Other names: c.6140C>A, p.Ala2047Glu (NM_001351273.1); short protein forms A2047E, A2048E.
Identifiers: ClinVar variation 2791071 (VCV002791071.3), dbSNP rs1236366231, ClinGen allele CA403042687.